The following is an entry in ClinVar:

NM_006440.5(TXNRD2):c.949+11G>A

Gene: TXNRD2 (thioredoxin reductase 2; minus strand). Cytogenetic location: 22q11.21.
Variant type: single nucleotide variant.
Coding change: c.949+11G>A on transcript NM_006440.5 (MANE Select); 11 bases into the intron after coding-DNA position 949, G replaced by A.
Molecular consequence: intron variant.
Genome position (GRCh38, 1-based): chr22:19,895,396, C>T on the plus strand (G>A on the coding strand, the complement: TXNRD2 is on the minus strand). VCF-style: chr22-19895396-C-T. GRCh37 (hg19) VCF-style: chr22-19882919-C-T.
Other names: c.946+11G>A (NM_001352300.2); c.661+11G>A (NM_001352302.2); c.859+11G>A (NM_001352301.2); c.949+11G>A (NM_001282512.3); c.853+11G>A (NM_001352303.2).
Identifiers: ClinVar variation 510727 (VCV000510727.6), dbSNP rs772807846, ClinGen allele CA10103938.
Genomic context (GRCh38, chr22:19,895,396, plus strand): 5'-AAGTGGGGCAAAGATTCTCCATGCACCTCGGGGAGACCAGAGACAGAGCGTGTGGCTCGA[C>T]GTGCCCTTACCTATGGCCCACAGGACGGTGTCAAAGGTGCCCGTGTCCTCCTTGCCGGTG-3'

ClinVar aggregate classification (germline): Likely benign. Review status: criteria provided, multiple submitters, no conflicts (2 of 4 stars). 2 submissions from 2 submitters: Likely benign (2). Last evaluated 2025-10-21.

Conditions:
Primary dilated cardiomyopathy (DCM). Also called: Dilated Cardiomyopathy. Identifiers: Orphanet 217604, MedGen C0007193, MeSH D002311, MONDO:0005021, HP:0001644. Inheritance: Various modes of inheritance.

Allele frequency attached by ClinVar (database versions not stated): TOPMed 0.00008; gnomAD exomes 0.00005 and 0.00006; ExAC 0.00006; gnomAD 0.00006 and 0.00007.
gnomAD v4.1: 88 of 1,613,696 alleles (0.0055%); highest among the groups gnomAD compares: Middle Eastern, 0.033%; no homozygotes.

Submissions (2):

Labcorp Genetics (formerly Invitae), Labcorp
Classification: Likely benign for Primary dilated cardiomyopathy. Last evaluated: 2025-10-21. Review status: criteria provided, single submitter. Criteria: Invitae Variant Classification Sherloc (09022015). Collection method: clinical testing. Allele origin: germline.

GeneDx
Classification: Likely benign. Last evaluated: 2017-07-12. Review status: criteria provided, single submitter. Criteria: GeneDx Variant Classification (06012015). Collection method: clinical testing. Allele origin: germline. Affected: yes.
Comment: This variant is considered likely benign or benign based on one or more of the following criteria: it is a conservative change, it occurs at a poorly conserved position in the protein, it is predicted to be benign by multiple in silico algorithms, and/or has population frequency not consistent with disease.